The following is an entry in ClinVar:

ClinVar aggregate classification (germline): Benign (1 of 4 stars; one submission).

Conditions:
Wolfram syndrome 1 (WFS1). Identifiers: Orphanet 3463, MedGen C4551693, MONDO:0009101, OMIM 222300.

Submission:

Clinical Genomics, Uppaluri K&H Personalized Medicine Clinic
Classification: Benign for Wolfram syndrome 1. Review status: criteria provided, single submitter. Criteria: K & H Uppaluri Personalized Medicine Clinic Variant Classification & Assertion Criteria_Updated V.1. Collection method: research. Allele origin: unknown. Inheritance: Autosomal recessive inheritance.
Comment: Potent mutations in WFS1 gene are associated with Wolfram's syndrome, an autosomal recessive condition, which cause diabetes mellitus, diabetes insipidus, deafness and optic atrophy.However no sufficient evidence is found to ascertain the role of this particular variant rs886059525 yet.

Literature cited by the submitters: PubMed 20738327; PubMed 33879153; PubMed 12955714; PubMed 18060660; PubMed 20301750; PubMed 17603484.

NM_006005.3(WFS1):c.-55C>T

Gene: WFS1 (wolframin ER transmembrane glycoprotein; plus strand). Cytogenetic location: 4p16.1.
Variant type: single nucleotide variant.
Coding change: c.-55C>T on transcript NM_006005.3 (MANE Select); 55 bases upstream of the start codon, C replaced by T.
Molecular consequence: 5 prime UTR variant.
Genome position (GRCh38, 1-based): chr4:6,269,965, C>T. VCF-style: chr4-6269965-C-T. GRCh37 (hg19) VCF-style: chr4-6271692-C-T.
Other names: c.-51C>T (NM_001145853.1).
Identifiers: ClinVar variation 1802671 (VCV001802671.1), dbSNP rs886059525, ClinGen allele CA91778142.